The following is an entry in ClinVar:

ClinVar aggregate classification (germline): Uncertain significance. Review status: criteria provided, multiple submitters, no conflicts (2 of 4 stars). 2 submissions from 2 submitters: Uncertain significance (2). Last evaluated 2025-05-12.

Conditions:
Inborn genetic diseases. Identifiers: MedGen C0950123, MeSH D030342.

Allele frequency attached by ClinVar (database versions not stated): ExAC 0.00002; gnomAD 0.00004; gnomAD exomes 0.00004; TOPMed 0.00006.

Submissions (2):

Labcorp Genetics (formerly Invitae), Labcorp
Classification: Uncertain significance. Last evaluated: 2025-05-12. Review status: criteria provided, single submitter. Criteria: Invitae Variant Classification Sherloc (09022015). Collection method: clinical testing. Allele origin: germline.
Comment: This sequence change replaces phenylalanine, which is neutral and non-polar, with serine, which is neutral and polar, at codon 123 of the KIAA1549 protein (p.Phe123Ser). This variant is present in population databases (rs770597852, gnomAD 0.009%). This variant has not been reported in the literature in individuals affected with KIAA1549-related conditions. ClinVar contains an entry for this variant (Variation ID: 1058672). An algorithm developed to predict the effect of missense changes on protein structure and function outputs the following: PolyPhen-2: "Benign". The serine amino acid residue is found in multiple mammalian species, which suggests that this missense change does not adversely affect protein function. In summary, the available evidence is currently insufficient to determine the role of this variant in disease. Therefore, it has been classified as a Variant of Uncertain Significance.

Ambry Genetics
Classification: Uncertain significance for Inborn genetic diseases. Last evaluated: 2024-03-04. Review status: criteria provided, single submitter. Criteria: Ambry Variant Classification Scheme 2023. Collection method: clinical testing. Allele origin: germline.

NM_001164665.2(KIAA1549):c.368T>C (p.Phe123Ser)

Gene: KIAA1549 (KIAA1549; minus strand). Cytogenetic location: 7q34.
Variant type: single nucleotide variant.
Coding change: c.368T>C on transcript NM_001164665.2 (MANE Select); coding-DNA position 368, T replaced by C.
Protein change: p.Phe123Ser; replaces phenylalanine 123 with serine.
Molecular consequence: missense variant.
Genome position (GRCh38, 1-based): chr7:138,919,258, A>G on the plus strand (T>C on the coding strand, the complement: KIAA1549 is on the minus strand). VCF-style: chr7-138919258-A-G. GRCh37 (hg19) VCF-style: chr7-138604004-A-G.
Other names: c.368T>C, p.Phe123Ser (NM_020910.3); c.368T>C (NM_001164665.1); short protein forms F123S.
Identifiers: ClinVar variation 1058672 (VCV001058672.8), dbSNP rs770597852, ClinGen allele CA4506961.